The following is an entry in ClinVar:

ClinVar aggregate classification (germline): Uncertain significance (1 of 4 stars; one submission).

Conditions:
Inborn genetic diseases. Identifiers: MedGen C0950123, MeSH D030342.

gnomAD v4.1: 1 of 1,612,362 alleles (0.000062%); highest among the groups gnomAD compares: Admixed American, 0.0017%; no homozygotes.

Submission:

Ambry Genetics
Classification: Uncertain significance for Inborn genetic diseases. Last evaluated: 2025-02-01. Review status: criteria provided, single submitter. Criteria: Ambry Variant Classification Scheme 2023. Collection method: clinical testing. Allele origin: germline.
Comment: The p.H1058Q variant (also known as c.3174C>A), located in coding exon 31 of the RTEL1 gene, results from a C to A substitution at nucleotide position 3174. The histidine at codon 1058 is replaced by glutamine, an amino acid with highly similar properties. This amino acid position is conserved. In addition, this alteration is predicted to be tolerated by in silico analysis. Based on the available evidence, the clinical significance of this variant remains unclear.

NM_001283009.2(RTEL1):c.3174C>A (p.His1058Gln)

Genes: RTEL1 (regulator of telomere elongation helicase 1; plus strand), RTEL1-TNFRSF6B (RTEL1-TNFRSF6B readthrough (NMD candidate); plus strand). Cytogenetic location: 20q13.33.
Variant type: single nucleotide variant.
Coding change: c.3174C>A on transcript NM_001283009.2 (MANE Select); coding-DNA position 3174, C replaced by A.
Protein change: p.His1058Gln; replaces histidine 1058 with glutamine.
Molecular consequence: missense variant. On other transcripts: non-coding transcript variant (1).
Genome position (GRCh38, 1-based): chr20:63,694,805, C>A. VCF-style: chr20-63694805-C-A. GRCh37 (hg19) VCF-style: chr20-62326158-C-A.
Other names: c.2505C>A, p.His835Gln (NM_001283010.1); c.3174C>A, p.His1058Gln (NM_016434.4); c.3246C>A, p.His1082Gln (NM_032957.5); short protein forms H1082Q, H835Q, H1058Q.
Identifiers: ClinVar variation 3791110 (VCV003791110.1).
Genomic context (GRCh38, chr20:63,694,805, plus strand): 5'-CCCTGGCAGCCAACCACAGTGGGGGTCTGGAGTGCCCAGAGCAGGGAAGCAGGGCCAGCA[C>A]GCCGTGAGCGCCTACCTGGCTGATGCCCGCAGGGCCCTGGGGTCCGCGGGCTGTAGCCAA-3'
Protein context (NP_001269938.1, residues 1048-1068): GVPRAGKQGQ[His1058Gln]AVSAYLADAR